The following is an entry in ClinVar:

ClinVar aggregate classification (germline): Uncertain significance. Review status: criteria provided, multiple submitters, no conflicts (2 of 4 stars). 2 submissions from 2 submitters: Uncertain significance (2). Last evaluated 2025-04-08.

Conditions:
Inborn genetic diseases. Identifiers: MedGen C0950123, MeSH D030342.
Spastic paraplegia. Identifiers: MedGen C0037772, HP:0001258.

Allele frequency attached by ClinVar (database versions not stated): ESP Exome Variant Server 0.00031.

Submissions (2):

Ambry Genetics
Classification: Uncertain significance for Inborn genetic diseases. Last evaluated: 2025-04-08. Review status: criteria provided, single submitter. Criteria: Ambry Variant Classification Scheme 2023. Collection method: clinical testing. Allele origin: germline.

Labcorp Genetics (formerly Invitae), Labcorp
Classification: Uncertain significance for Spastic paraplegia. Last evaluated: 2022-05-13. Review status: criteria provided, single submitter. Criteria: Invitae Variant Classification Sherloc (09022015). Collection method: clinical testing. Allele origin: germline.
Comment: This sequence change replaces methionine, which is neutral and non-polar, with valine, which is neutral and non-polar, at codon 111 of the GBA2 protein (p.Met111Val). This variant is present in population databases (rs148020856, gnomAD 0.05%). This variant has not been reported in the literature in individuals affected with GBA2-related conditions. Algorithms developed to predict the effect of missense changes on protein structure and function (SIFT, PolyPhen-2, Align-GVGD) all suggest that this variant is likely to be tolerated. In summary, the available evidence is currently insufficient to determine the role of this variant in disease. Therefore, it has been classified as a Variant of Uncertain Significance.

NM_020944.3(GBA2):c.331A>G (p.Met111Val)

Gene: GBA2 (glucosylceramidase beta 2; minus strand). Cytogenetic location: 9p13.3.
Variant type: single nucleotide variant.
Coding change: c.331A>G on transcript NM_020944.3 (MANE Select); coding-DNA position 331, A replaced by G.
Protein change: p.Met111Val; replaces methionine 111 with valine.
Molecular consequence: missense variant.
Genome position (GRCh38, 1-based): chr9:35,748,374, T>C on the plus strand (A>G on the coding strand, the complement: GBA2 is on the minus strand). VCF-style: chr9-35748374-T-C. GRCh37 (hg19) VCF-style: chr9-35748371-T-C.
Other names: c.331A>G, p.Met111Val (NM_001330660.2); c.331A>G (NM_020944.2); short protein forms M111V.
Identifiers: ClinVar variation 2186487 (VCV002186487.3), dbSNP rs148020856, ClinGen allele CA5050757.